The following is an entry in ClinVar:

ClinVar aggregate classification (germline): Pathogenic (1 of 4 stars; one submission).

Submission:

Labcorp Genetics (formerly Invitae), Labcorp
Classification: Pathogenic. Last evaluated: 2023-02-03. Review status: criteria provided, single submitter. Criteria: Invitae Variant Classification Sherloc (09022015). Collection method: clinical testing. Allele origin: germline.
Comment: This sequence change creates a premature translational stop signal (p.Phe2683Glnfs*7) in the VPS13A gene. It is expected to result in an absent or disrupted protein product. Loss-of-function variants in VPS13A are known to be pathogenic (PMID: 12404112, 21598378). This variant is not present in population databases (gnomAD no frequency). This variant has not been reported in the literature in individuals affected with VPS13A-related conditions. For these reasons, this variant has been classified as Pathogenic.

Literature cited by the submitters: PubMed 12404112; PubMed 21598378.

NM_033305.3(VPS13A):c.8046_8049del (p.Phe2683fs)

Gene: VPS13A (vacuolar protein sorting 13 homolog A; plus strand). Cytogenetic location: 9q21.2.
Variant type: Deletion.
Coding change: c.8046_8049del on transcript NM_033305.3 (MANE Select); coding-DNA positions 8046 to 8049, 4 bases deleted (CTTT; older notation c.8046_8049delCTTT).
Protein change: p.Phe2683fs; shifts the reading frame from phenylalanine 2683.
Molecular consequence: frameshift variant.
Genome position (GRCh38, 1-based): chr9:77,359,343-77,359,346, CTTT deleted. VCF-style (leftmost placement, unchanged base first): chr9-77359342-CCTTT-C. GRCh37 (hg19) VCF-style: chr9-79974258-CCTTT-C.
Other names: c.7929_7932del, p.Phe2644fs (NM_001018037.2); c.8046_8049del, p.Phe2683fs (NM_001018038.3, NM_015186.4); short protein forms F2683fs, F2644fs.
Identifiers: ClinVar variation 3003196 (VCV003003196.3), dbSNP rs2538157277, ClinGen allele CA2740095511.
Genomic context (GRCh38, chr9:77,359,342, plus strand): 5'-TAGCTTTTGCTTAAAGCATCATGGGAGTAATTATATTTATAACCTTTACAGCACCAAAGC[CCTTT>C]ACAGATGTCAGTATTGTCATGAGATCTGCAGGACATTCCCAGATATCACGTATTAAGTAA-3'